The following is an entry in ClinVar:

ClinVar aggregate classification (germline): Pathogenic (1 of 4 stars; one submission).

Conditions:
Nemaline myopathy 2 (NEM2). Also called: Nemaline myopathy 2, autosomal recessive. Identifiers: MedGen C1850569, MONDO:0009725, OMIM 256030.

Submission:

Labcorp Genetics (formerly Invitae), Labcorp
Classification: Pathogenic for Nemaline myopathy 2. Last evaluated: 2019-08-29. Review status: criteria provided, single submitter. Criteria: Invitae Variant Classification Sherloc (09022015). Collection method: clinical testing. Allele origin: germline.
Comment: For these reasons, this variant has been classified as Pathogenic. Loss-of-function variants in NEB are known to be pathogenic (PMID: 25205138). Algorithms developed to predict the effect of sequence changes on RNA splicing suggest that this variant may create or strengthen a splice site, but this prediction has not been confirmed by published transcriptional studies. This variant has not been reported in the literature in individuals with NEB-related conditions. This variant is not present in population databases (ExAC no frequency). This sequence change creates a premature translational stop signal (p.Tyr6643*) in the NEB gene. It is expected to result in an absent or disrupted protein product.

Literature cited by the submitters: PubMed 25205138.

NM_001164508.2(NEB):c.19929C>G (p.Tyr6643Ter)

Gene: NEB (nebulin; minus strand). Cytogenetic location: 2q23.3.
Variant type: single nucleotide variant.
Coding change: c.19929C>G on transcript NM_001164508.2 (MANE Select); coding-DNA position 19929, C replaced by G.
Protein change: p.Tyr6643Ter; replaces tyrosine 6643 with a stop codon.
Molecular consequence: nonsense.
Genome position (GRCh38, 1-based): chr2:151,551,753, G>C on the plus strand (C>G on the coding strand, the complement: NEB is on the minus strand). VCF-style: chr2-151551753-G-C. GRCh37 (hg19) VCF-style: chr2-152408267-G-C.
Other names: c.19929C>G, p.Tyr6643Ter (NM_001164507.2, NM_001271208.2); c.14826C>G, p.Tyr4942Ter (NM_004543.5); short protein forms Y6643*, Y4942*.
Identifiers: ClinVar variation 936937 (VCV000936937.7), dbSNP rs1440532058, ClinGen allele CA348787168.